The following is an entry in ClinVar:

ClinVar aggregate classification (germline): Uncertain significance (1 of 4 stars; one submission).

Submission:

GeneDx
Classification: Uncertain significance. Last evaluated: 2026-03-24. Review status: criteria provided, single submitter. Criteria: GeneDx Variant Classification Process June 2021. Collection method: clinical testing. Allele origin: germline.
Comment: Not observed at significant frequency in large population cohorts (gnomAD); In silico analysis supports that this missense variant has a deleterious effect on protein structure/function; Has not been previously published as pathogenic or benign to our knowledge

NM_015057.5(MYCBP2):c.13696G>A (p.Asp4566Asn)

Gene: MYCBP2 (MYC binding protein 2; minus strand). Cytogenetic location: 13q22.3.
Variant type: single nucleotide variant.
Coding change: c.13696G>A on transcript NM_015057.5 (MANE Select); coding-DNA position 13696, G replaced by A.
Protein change: p.Asp4566Asn; replaces aspartic acid 4566 with asparagine.
Molecular consequence: missense variant.
Genome position (GRCh38, 1-based): chr13:77,051,870, C>T on the plus strand (G>A on the coding strand, the complement: MYCBP2 is on the minus strand). VCF-style: chr13-77051870-C-T. GRCh37 (hg19) VCF-style: chr13-77626005-C-T.
Other names: short protein forms D4566N.
Identifiers: ClinVar variation 5017005 (VCV005017005.1).